The following is an entry in ClinVar:

NM_006941.4(SOX10):c.519C>A (p.Tyr173Ter)

Genes: POLR2F (RNA polymerase II, I and III subunit F; plus strand), SOX10 (SRY-box transcription factor 10; minus strand). Cytogenetic location: 22q13.1.
Variant type: single nucleotide variant.
Coding change: c.519C>A on transcript NM_006941.4 (MANE Select); coding-DNA position 519, C replaced by A.
Protein change: p.Tyr173Ter; replaces tyrosine 173 with a stop codon.
Molecular consequence: nonsense. On other transcripts: intron variant (3).
Genome position (GRCh38, 1-based): chr22:37,978,045, G>T on the plus strand (C>A on the coding strand, the complement: SOX10 is on the minus strand). VCF-style: chr22-37978045-G-T. GRCh37 (hg19) VCF-style: chr22-38374052-G-T.
Other names: c.*38+5735G>T (NM_001363825.1); c.294-8109G>T (NM_001301130.2); c.293+10875G>T (NM_001301131.2); short protein forms Y173*.
Identifiers: ClinVar variation 3601844 (VCV003601844.1).

ClinVar aggregate classification (germline): Pathogenic (1 of 4 stars; one submission).

Conditions:
Waardenburg syndrome type 4C (WS4C). Also called: WAARDENBURG SYNDROME WITH HIRSCHSPRUNG DISEASE, TYPE 4C. Identifiers: Orphanet 897, MedGen C2750452, MONDO:0013202, OMIM 613266.

Submission:

Institute of Rare Diseases, West China Hospital, Sichuan University
Classification: Pathogenic for Waardenburg syndrome type 4C. Last evaluated: 2025-01-09. Review status: criteria provided, single submitter. Criteria: ClinGen HL ACMG Specifications v1. Collection method: research. Allele origin: germline. Affected: yes.
Comment: PM1;PVS1;PM2_Supporting;PS1